The following is an entry in ClinVar:

NM_000368.5(TSC1):c.479G>A (p.Arg160His)

Gene: TSC1 (TSC complex subunit 1; minus strand). Cytogenetic location: 9q34.13.
Variant type: single nucleotide variant.
Coding change: c.479G>A on transcript NM_000368.5 (MANE Select); coding-DNA position 479, G replaced by A.
Protein change: p.Arg160His; replaces arginine 160 with histidine.
Molecular consequence: missense variant.
Genome position (GRCh38, 1-based): chr9:132,923,377, C>T on the plus strand (G>A on the coding strand, the complement: TSC1 is on the minus strand). VCF-style: chr9-132923377-C-T. GRCh37 (hg19) VCF-style: chr9-135798764-C-T.
Other names: c.479G>A, p.Arg160His (NM_001162426.2); c.326G>A, p.Arg109His (NM_001162427.2); c.116G>A, p.Arg39His (NM_001362177.2); short protein forms R160H, R109H, R39H.
Identifiers: ClinVar variation 237721 (VCV000237721.43), dbSNP rs749979841, ClinGen allele CA037559.

ClinVar aggregate classification (germline): Conflicting classifications of pathogenicity. Review status: criteria provided, conflicting classifications (1 of 4 stars). 9 submissions from 9 submitters: Uncertain significance (1); Likely benign (7). 1 of the submissions does not count toward it. Last evaluated 2026-02-04.

Conditions:
Hereditary cancer-predisposing syndrome. Also called: Tumor predisposition; Hereditary Cancer Syndrome; Hereditary neoplastic syndrome; Neoplastic Syndromes, Hereditary. Identifiers: Orphanet 140162, MedGen C0027672, MeSH D009386, MONDO:0015356.
Ovarian cancer. Also called: OVARIAN CANCER, SOMATIC. Identifiers: Orphanet 213500, MedGen C1140680, MONDO:0008170, OMIM 167000.
Tuberous sclerosis syndrome (TSC). Also called: Tuberous Sclerosis Complex; Tuberous sclerosis. Identifiers: Orphanet 805, MedGen C0041341, MONDO:0001734.
Tuberous sclerosis 1 (TSC1). Identifiers: Orphanet 805, MedGen C1854465, MONDO:0008612, OMIM 191100.

Allele frequency attached by ClinVar (database versions not stated): gnomAD exomes 0.00002 and 0.00006; gnomAD 0.00005; TOPMed 0.00006; ExAC 0.00007.

Submissions (9):

Labcorp Genetics (formerly Invitae), Labcorp
Classification: Likely benign for Tuberous sclerosis 1. Last evaluated: 2026-02-04. Review status: criteria provided, single submitter. Criteria: Invitae Variant Classification Sherloc (09022015). Collection method: clinical testing. Allele origin: germline.

Quest Diagnostics Nichols Institute San Juan Capistrano
Classification: Likely benign. Last evaluated: 2025-10-20. Review status: criteria provided, single submitter. Criteria: Quest Diagnostics criteria. Collection method: clinical testing. Allele origin: unknown.

Myriad Genetics, Inc.
Classification: Likely benign for Tuberous sclerosis 1. Last evaluated: 2024-08-23. Review status: criteria provided, single submitter. Criteria: Myriad Autosomal Dominant, Autosomal Recessive and X-Linked Classification Criteria (2023). Collection method: clinical testing. Allele origin: unknown.
Comment: This variant is considered likely benign. This variant has been observed at a population frequency that is significantly greater than expected given the associated disease prevalence and penetrance.

Color Diagnostics, LLC DBA Color Health
Classification: Likely benign for Tuberous sclerosis syndrome. Last evaluated: 2022-05-18. Review status: criteria provided, single submitter. Criteria: ACMG Guidelines, 2015. Collection method: clinical testing. Allele origin: germline.

Genome-Nilou Lab
Classification: Likely benign for Tuberous sclerosis 1. Last evaluated: 2021-11-07. Review status: criteria provided, single submitter. Criteria: ACMG Guidelines, 2015. Collection method: clinical testing. Allele origin: germline. Affected: no.

GeneDx
Classification: Likely benign. Last evaluated: 2020-06-29. Review status: criteria provided, single submitter. Criteria: GeneDx Variant Classification Process June 2021. Collection method: clinical testing. Allele origin: germline. Affected: yes.

Ambry Genetics
Classification: Likely benign for Hereditary cancer-predisposing syndrome. Last evaluated: 2020-04-08. Review status: criteria provided, single submitter. Criteria: Ambry Variant Classification Scheme 2023. Collection method: clinical testing. Allele origin: germline.

Eurofins Ntd Llc (ga)
Classification: Uncertain significance. Last evaluated: 2015-07-08. Review status: criteria provided, single submitter. Criteria: EGL Classification Definitions 2015. Collection method: clinical testing. Allele origin: germline. Observed: 1 variant allele, 1 heterozygote.

Laboratory of Molecular Epidemiology of Birth Defects, West China Second University Hospital, Sichuan University
Classification: Likely pathogenic for Ovarian cancer. Last evaluated: 2022-01-01. Review status: flagged submission. Criteria: ACMG Guidelines, 2015. Collection method: clinical testing. Allele origin: germline. Affected: yes. Not counted in ClinVar's aggregate classification.
ClinVar note: Reason: Outlier claim with insufficient supporting evidence